The following is an entry in ClinVar:

NM_000097.7(CPOX):c.50C>T (p.Ala17Val)

Genes: CPOX (coproporphyrinogen oxidase; minus strand), LOC129937121 (ATAC-STARR-seq lymphoblastoid silent region 14560; plus strand). Cytogenetic location: 3q11.2.
Variant type: single nucleotide variant.
Coding change: c.50C>T on transcript NM_000097.7 (MANE Select); coding-DNA position 50, C replaced by T.
Protein change: p.Ala17Val; replaces alanine 17 with valine.
Molecular consequence: missense variant.
Genome position (GRCh38, 1-based): chr3:98,593,455, G>A on the plus strand (C>T on the coding strand, the complement: CPOX is on the minus strand). VCF-style: chr3-98593455-G-A. GRCh37 (hg19) VCF-style: chr3-98312299-G-A.
Other names: short protein forms A17V.
Identifiers: ClinVar variation 1309643 (VCV001309643.2), dbSNP rs1479176866, ClinGen allele CA353647245.

ClinVar aggregate classification (germline): Uncertain significance (1 of 4 stars; one submission).

Allele frequency attached by ClinVar (database versions not stated): gnomAD 0.00001; 1000 Genomes Project 30x 0.00016.

Submission:

GeneDx
Classification: Uncertain significance. Last evaluated: 2019-11-06. Review status: criteria provided, single submitter. Criteria: GeneDx Variant Classification Process June 2021. Collection method: clinical testing. Allele origin: germline. Affected: yes.
Comment: Not observed in large population cohorts (Lek et al., 2016); In silico analysis, which includes protein predictors and evolutionary conservation, supports that this variant does not alter protein structure/function; Has not been previously published as pathogenic or benign to our knowledge